The following is an entry in ClinVar:

ClinVar aggregate classification (germline): Likely pathogenic (1 of 4 stars; one submission).

Conditions:
Polyglandular autoimmune syndrome, type 1 (APS1). Also called: AUTOIMMUNE POLYENDOCRINE SYNDROME, TYPE I, WITH OR WITHOUT REVERSIBLE METAPHYSEAL DYSPLASIA; APS I; HYPOADRENOCORTICISM WITH HYPOPARATHYROIDISM AND SUPERFICIAL MONILIASIS; PGA I; Autoimmune polyendocrine syndrome type 1; Whitaker syndrome. Identifiers: Orphanet 3453, MedGen C0085859, MONDO:0009411, OMIM 240300.

Submission:

Natera, Inc.
Classification: Likely pathogenic for Polyglandular autoimmune syndrome type 1. Last evaluated: 2025-03-20. Review status: criteria provided, single submitter. Criteria: Natera Variant Classification Schema (03/2026). Collection method: clinical testing. Allele origin: germline.
Comment: The c.267_271dup variant in AIRE is a frameshift variant predicted to shift the reading frame beginning at codon 91 and leads to a stop codon 58 codons downstream. This variant is expected to result in nonsense mediated decay, truncation, or a dysfunctional protein product. This variant is rare in the general population with a frequency below the threshold expected for the associated phenotype(s). Given the available evidence, this variant is classified as Likely Pathogenic.

NM_000383.4(AIRE):c.267_271dup (p.Gly91fs)

Gene: AIRE (autoimmune regulator; plus strand). Cytogenetic location: 21q22.3.
Variant type: Duplication.
Coding change: c.267_271dup on transcript NM_000383.4 (MANE Select); coding-DNA positions 267 to 271, 5 bases duplicated (CTATG; older notation c.267_271dupCTATG).
Protein change: p.Gly91fs; shifts the reading frame from glycine 91.
Molecular consequence: frameshift variant.
Genome position (GRCh38, 1-based): chr21:44,286,691-44,286,695, CTATG duplicated; duplicating any 5 consecutive bases within chr21:44,286,690-44,286,695 gives the same sequence; the c. name uses the placement nearest the transcript's 3' end. VCF-style (leftmost placement, unchanged base first): chr21-44286689-C-CGCTAT. GRCh37 (hg19) VCF-style: chr21-45706572-C-CGCTAT.
Other names: short protein forms G91fs.
Identifiers: ClinVar variation 4069363 (VCV004069363.3).
Genomic context (GRCh38, chr21:44,286,689, plus strand): 5'-CAGGACTCCACAGCCATCCTGGACTTCTGGAGGGTGCTGTTCAAGGACTACAACCTGGAG[C>CGCTAT]GCTATGGCCGGCTGCAGCCCATCCTGGACAGCTTCCCCAAAGGTGGGTCCTGGTGGACTC-3'